The following is an entry in ClinVar:

NM_014974.3(DIP2C):c.3422T>G (p.Val1141Gly)

Genes: DIP2C (disco interacting protein 2 homolog C; minus strand), LOC126860805 (BRD4-independent group 4 enhancer GRCh37_chr10:390524-391723; plus strand). Cytogenetic location: 10p15.3.
Variant type: single nucleotide variant.
Coding change: c.3422T>G on transcript NM_014974.3 (MANE Select); coding-DNA position 3422, T replaced by G.
Protein change: p.Val1141Gly; replaces valine 1141 with glycine.
Molecular consequence: missense variant.
Genome position (GRCh38, 1-based): chr10:344,840, A>C on the plus strand (T>G on the coding strand, the complement: DIP2C is on the minus strand). VCF-style: chr10-344840-A-C. GRCh37 (hg19) VCF-style: chr10-390780-A-C.
Other names: short protein forms V1141G.
Identifiers: ClinVar variation 3342783 (VCV003342783.1).

ClinVar aggregate classification (germline): Uncertain significance (1 of 4 stars; one submission).

Submission:

GeneDx
Classification: Uncertain significance. Last evaluated: 2023-01-04. Review status: criteria provided, single submitter. Criteria: GeneDx Variant Classification Process June 2021. Collection method: clinical testing. Allele origin: germline. Affected: yes.
Comment: Not observed at significant frequency in large population cohorts (gnomAD); In silico analysis supports that this missense variant has a deleterious effect on protein structure/function; Has not been previously published as pathogenic or benign to our knowledge; Variants in candidate genes are classified as variants of uncertain significance in accordance with ACMG guidelines (Richards et al., 2015)